The following is an entry in ClinVar:

ClinVar aggregate classification (germline): Uncertain significance. Review status: criteria provided, multiple submitters, no conflicts (2 of 4 stars). 3 submissions from 3 submitters: Uncertain significance (3). Last evaluated 2024-10-04.

Conditions:
Myofibrillar myopathy 5. Also called: Filaminopathy (type); FILAMINOPATHY, AUTOSOMAL DOMINANT. Identifiers: Orphanet 171445, MedGen C1836050, MONDO:0012289, OMIM 609524.
Hypertrophic cardiomyopathy 26. Also called: Cardiomyopathy, familial hypertrophic, 26. Identifiers: Orphanet 75249, MedGen C4310749, MONDO:0014883, OMIM 617047.
Distal myopathy with posterior leg and anterior hand involvement. Also called: WILLIAMS DISTAL MYOPATHY. Identifiers: Orphanet 63273, MedGen C3279722, MONDO:0013550, OMIM 614065.
Cardiovascular phenotype. Identifiers: MedGen CN230736.

Allele frequency attached by ClinVar (database versions not stated): gnomAD exomes below 0.00001.
gnomAD v4.1: 1 of 1,614,192 alleles (0.000062%); highest among the groups gnomAD compares: South Asian, 0.0011%; no homozygotes.

Submissions (3):

Women's Health and Genetics/Laboratory Corporation of America, LabCorp
Classification: Uncertain significance. Last evaluated: 2024-10-04. Review status: criteria provided, single submitter. Criteria: LabCorp Variant Classification Summary - May 2015. Collection method: clinical testing. Allele origin: germline.
Comment: Variant summary: FLNC c.4280C>T (p.Pro1427Leu) results in a non-conservative amino acid change in the encoded protein sequence. Four of five in-silico tools predict a damaging effect of the variant on protein function. The variant was absent in 249218 control chromosomes. The available data on variant occurrences in the general population are insufficient to allow any conclusion about variant significance. To our knowledge, no occurrence of c.4280C>T in individuals affected with Cardiomyopathy and no experimental evidence demonstrating its impact on protein function have been reported. ClinVar contains an entry for this variant (Variation ID: 935716). Based on the evidence outlined above, the variant was classified as uncertain significance.

Ambry Genetics
Classification: Uncertain significance for Cardiovascular phenotype. Last evaluated: 2023-05-22. Review status: criteria provided, single submitter. Criteria: Ambry Variant Classification Scheme 2023. Collection method: clinical testing. Allele origin: germline.

Labcorp Genetics (formerly Invitae), Labcorp
Classification: Uncertain significance for Distal myopathy with posterior leg and anterior hand involvement; Myofibrillar myopathy 5; Hypertrophic cardiomyopathy 26. Last evaluated: 2022-03-09. Review status: criteria provided, single submitter. Criteria: Invitae Variant Classification Sherloc (09022015). Collection method: clinical testing. Allele origin: germline.
Comment: In summary, the available evidence is currently insufficient to determine the role of this variant in disease. Therefore, it has been classified as a Variant of Uncertain Significance. Algorithms developed to predict the effect of missense changes on protein structure and function are either unavailable or do not agree on the potential impact of this missense change (SIFT: "Tolerated"; PolyPhen-2: "Probably Damaging"; Align-GVGD: "Class C0"). ClinVar contains an entry for this variant (Variation ID: 935716). This variant has not been reported in the literature in individuals affected with FLNC-related conditions. This variant is present in population databases (no rsID available, gnomAD 0.003%). This sequence change replaces proline, which is neutral and non-polar, with leucine, which is neutral and non-polar, at codon 1427 of the FLNC protein (p.Pro1427Leu).

NM_001458.5(FLNC):c.4280C>T (p.Pro1427Leu)

Gene: FLNC (filamin C; plus strand). Cytogenetic location: 7q32.1.
Variant type: single nucleotide variant.
Coding change: c.4280C>T on transcript NM_001458.5 (MANE Select); coding-DNA position 4280, C replaced by T.
Protein change: p.Pro1427Leu; replaces proline 1427 with leucine.
Molecular consequence: missense variant.
Genome position (GRCh38, 1-based): chr7:128,846,897, C>T. VCF-style: chr7-128846897-C-T. GRCh37 (hg19) VCF-style: chr7-128486951-C-T.
Other names: c.4280C>T, p.Pro1427Leu (NM_001127487.2); short protein forms P1427L.
Identifiers: ClinVar variation 935716 (VCV000935716.13), dbSNP rs1192906461, ClinGen allele CA369200971.